The following is an entry in ClinVar:

NM_001845.6(COL4A1):c.2717G>C (p.Gly906Ala)

Gene: COL4A1 (collagen type IV alpha 1 chain; minus strand). Cytogenetic location: 13q34.
Variant type: single nucleotide variant.
Coding change: c.2717G>C on transcript NM_001845.6 (MANE Select); coding-DNA position 2717, G replaced by C.
Protein change: p.Gly906Ala; replaces glycine 906 with alanine.
Molecular consequence: missense variant.
Genome position (GRCh38, 1-based): chr13:110,177,037, C>G on the plus strand (G>C on the coding strand, the complement: COL4A1 is on the minus strand). VCF-style: chr13-110177037-C-G. GRCh37 (hg19) VCF-style: chr13-110829384-C-G.
Other names: short protein forms G906A.
Identifiers: ClinVar variation 1699427 (VCV001699427.4), dbSNP rs2139163150, ClinGen allele CA388667296.

ClinVar aggregate classification (germline): Likely pathogenic (1 of 4 stars; one submission).

Conditions:
Autosomal dominant familial hematuria-retinal arteriolar tortuosity-contractures syndrome. Also called: Hereditary Angiopathy with Nephropathy, Aneurysms, and Muscle Cramps (HANAC) Syndrome; Angiopathy, hereditary, with nephropathy, aneurysms, and muscle cramps. Identifiers: Orphanet 73229, MedGen C2673195, MONDO:0012726, OMIM 611773.

Submission:

Victorian Clinical Genetics Services, Murdoch Childrens Research Institute
Classification: Likely pathogenic for Autosomal dominant familial hematuria-retinal arteriolar tortuosity-contractures syndrome. Last evaluated: 2022-09-02. Review status: criteria provided, single submitter. Criteria: ACMG Guidelines, 2015. Collection method: clinical testing. Allele origin: germline. Inheritance: Autosomal dominant inheritance. Affected: yes.
Comment: Based on the classification scheme VCGS_Germline_v1.3.4, this variant is classified as likely pathogenic. Following criteria are met: 0103 - Both dominant negative and loss of function are known mechanisms of disease in this gene and are associated with COL4A1-associated disorders (PMID:23065703; PMID:16159887). (I) 0107 - This gene is associated with autosomal dominant disease. (I) 0200 - Variant is predicted to result in a missense amino acid change from glycine to alanine. (I) 0251 - This variant is heterozygous. (I) 0301 - Variant is absent from gnomAD (both v2 and v3). (SP) 0501 - Missense variant consistently predicted to be damaging by multiple in silico tools or highly conserved with a major amino acid change. (SP) 0601 - Variant is located in the well-established functional collagen domain and affects a glycine residue in the Gly-X-Y motif (Decipher). (SP) 0705 - No comparable missense variants have previous evidence for pathogenicity. (I) 0807 - This variant has no previous evidence of pathogenicity. (I) 0905 - No published segregation evidence has been identified for this variant. (I) 1007 - No published functional evidence has been identified for this variant. (I) 1208 - Inheritance information for this variant is not currently available in this individual. (I) Legend: (SP) - Supporting pathogenic, (I) - Information, (SB) - Supporting benign

Literature cited by the submitters: PubMed 16159887; PubMed 23065703.